The following is an entry in ClinVar:

NM_015102.5(NPHP4):c.3740G>A (p.Arg1247His)

Gene: NPHP4 (nephrocystin 4; minus strand). Cytogenetic location: 1p36.31.
Variant type: single nucleotide variant.
Coding change: c.3740G>A on transcript NM_015102.5 (MANE Select); coding-DNA position 3740, G replaced by A.
Protein change: p.Arg1247His; replaces arginine 1247 with histidine.
Molecular consequence: missense variant. On other transcripts: non-coding transcript variant (1).
Genome position (GRCh38, 1-based): chr1:5,865,178, C>T on the plus strand (G>A on the coding strand, the complement: NPHP4 is on the minus strand). VCF-style: chr1-5865178-C-T. GRCh37 (hg19) VCF-style: chr1-5925238-C-T.
Other names: c.2201G>A, p.Arg734His (NM_001291593.2); c.2204G>A, p.Arg735His (NM_001291594.2); short protein forms R1247H, R734H, R735H.
Identifiers: ClinVar variation 1021112 (VCV001021112.9), dbSNP rs200623969, ClinGen allele CA553484.
Genomic context (GRCh38, chr1:5,865,178, plus strand): 5'-TGAGAGGTGAAAGCTCTCACTTTCCTCACTGTCTGTGTCCCCCGAAGGACAAGGGACAGG[C>T]GGGTCAGCTGGCCTGCGACGCAGGAGACATCCACGCGCTGCAGGGAGTGGAGGTAGACCT-3'
Protein context (NP_055917.1, residues 1237-1257): DVSCVAGQLT[Arg1247His]LSLVLRGTQT

ClinVar aggregate classification (germline): Uncertain significance. Review status: criteria provided, multiple submitters, no conflicts (2 of 4 stars). 2 submissions from 2 submitters: Uncertain significance (2). Last evaluated 2024-10-26.

Conditions:
Nephronophthisis. Also called: Juvenile Nephronophthisis. Identifiers: Orphanet 655, MedGen C0687120, MONDO:0019005, HP:0000090.

Allele frequency attached by ClinVar (database versions not stated): gnomAD exomes 0.00003; TOPMed 0.00003; ExAC 0.00004; 1000 Genomes Project 0.00020; 1000 Genomes Project 30x 0.00031.
gnomAD v4.1: 21 of 1,612,970 alleles (0.0013%); highest among the groups gnomAD compares: Middle Eastern, 0.017%; no homozygotes.

Submissions (2):

Labcorp Genetics (formerly Invitae), Labcorp
Classification: Uncertain significance for Nephronophthisis. Last evaluated: 2024-10-26. Review status: criteria provided, single submitter. Criteria: Invitae Variant Classification Sherloc (09022015). Collection method: clinical testing. Allele origin: germline.
Comment: This sequence change replaces arginine, which is basic and polar, with histidine, which is basic and polar, at codon 1247 of the NPHP4 protein (p.Arg1247His). This variant is present in population databases (rs200623969, gnomAD 0.007%). This variant has not been reported in the literature in individuals affected with NPHP4-related conditions. ClinVar contains an entry for this variant (Variation ID: 1021112). Invitae Evidence Modeling of protein sequence and biophysical properties (such as structural, functional, and spatial information, amino acid conservation, physicochemical variation, residue mobility, and thermodynamic stability) indicates that this missense variant is expected to disrupt NPHP4 protein function with a positive predictive value of 80%. In summary, the available evidence is currently insufficient to determine the role of this variant in disease. Therefore, it has been classified as a Variant of Uncertain Significance.

Blueprint Genetics
Classification: Uncertain significance. Last evaluated: 2024-09-09. Review status: criteria provided, single submitter. Criteria: ACMG Guidelines, 2015. Collection method: clinical testing. Allele origin: germline.